The following is an entry in ClinVar:

NM_006361.6(HOXB13):c.526G>C (p.Gly176Arg)

Gene: HOXB13 (homeobox B13; minus strand). Cytogenetic location: 17q21.32.
Variant type: single nucleotide variant.
Coding change: c.526G>C on transcript NM_006361.6 (MANE Select); coding-DNA position 526, G replaced by C.
Protein change: p.Gly176Arg; replaces glycine 176 with arginine.
Molecular consequence: missense variant.
Genome position (GRCh38, 1-based): chr17:48,728,068, C>G on the plus strand (G>C on the coding strand, the complement: HOXB13 is on the minus strand). VCF-style: chr17-48728068-C-G. GRCh37 (hg19) VCF-style: chr17-46805430-C-G.
Other names: short protein forms G176R.
Identifiers: ClinVar variation 485694 (VCV000485694.17), dbSNP rs747003841, ClinGen allele CA8633973.

ClinVar aggregate classification (germline): Uncertain significance. Review status: criteria provided, multiple submitters, no conflicts (2 of 4 stars). 4 submissions from 4 submitters: Uncertain significance (4). Last evaluated 2025-11-25.

Conditions:
Hereditary cancer-predisposing syndrome. Also called: Tumor predisposition; Hereditary Cancer Syndrome; Hereditary neoplastic syndrome; Neoplastic Syndromes, Hereditary. Identifiers: Orphanet 140162, MedGen C0027672, MeSH D009386, MONDO:0015356.
Prostate cancer, hereditary, 9 (HPC9). Identifiers: Orphanet 1331, MedGen C1970250, MONDO:0012597, OMIM 610997.

Allele frequency attached by ClinVar (database versions not stated): gnomAD exomes below 0.00001; ExAC 0.00001.
gnomAD v4.1: 1 of 1,614,238 alleles (0.000062%); highest among the groups gnomAD compares: Admixed American, 0.0017%; no homozygotes.

Submissions (4):

Labcorp Genetics (formerly Invitae), Labcorp
Classification: Uncertain significance. Last evaluated: 2025-11-25. Review status: criteria provided, single submitter. Criteria: Invitae Variant Classification Sherloc (09022015). Collection method: clinical testing. Allele origin: germline.
Comment: This sequence change replaces glycine, which is neutral and non-polar, with arginine, which is basic and polar, at codon 176 of the HOXB13 protein (p.Gly176Arg). This variant is present in population databases (rs747003841, gnomAD 0.003%). This variant has not been reported in the literature in individuals affected with HOXB13-related conditions. ClinVar contains an entry for this variant (Variation ID: 485694). Invitae Evidence Modeling of protein sequence and biophysical properties (such as structural, functional, and spatial information, amino acid conservation, physicochemical variation, residue mobility, and thermodynamic stability) indicates that this missense variant is not expected to disrupt HOXB13 protein function with a negative predictive value of 80%. In summary, the available evidence is currently insufficient to determine the role of this variant in disease. Therefore, it has been classified as a Variant of Uncertain Significance.

Ambry Genetics
Classification: Uncertain significance for Hereditary cancer-predisposing syndrome. Last evaluated: 2025-07-28. Review status: criteria provided, single submitter. Criteria: Ambry Variant Classification Scheme 2023. Collection method: clinical testing. Allele origin: germline.
Comment: The p.G176R variant (also known as c.526G>C), located in coding exon 1 of the HOXB13 gene, results from a G to C substitution at nucleotide position 526. The glycine at codon 176 is replaced by arginine, an amino acid with dissimilar properties. This amino acid position is poorly conserved in available vertebrate species. In addition, this alteration is predicted to be tolerated by in silico analysis. Since supporting evidence is limited at this time, the clinical significance of this alteration remains unclear.

Quest Diagnostics Nichols Institute San Juan Capistrano
Classification: Uncertain significance. Last evaluated: 2025-07-16. Review status: criteria provided, single submitter. Criteria: Quest Diagnostics criteria. Collection method: clinical testing. Allele origin: unknown.
Comment: The HOXB13 c.526G>C (p.Gly176Arg) variant has been reported in the published literature in at least one individual with prostate cancer (PMID: 36922933 (2022)). The frequency of this variant in the general population (Genome Aggregation Database) is uninformative in the assessment of its pathogenicity. Analysis of this variant using bioinformatics tools for the prediction of the effect of amino acid changes on protein structure and function yielded predictions that this variant is benign. Based on the available information, we are unable to determine the clinical significance of this variant.

Fulgent Genetics
Classification: Uncertain significance for Prostate cancer, hereditary, 9. Last evaluated: 2018-10-31. Review status: criteria provided, single submitter. Criteria: ACMG Guidelines, 2015. Collection method: clinical testing. Allele origin: unknown.

Literature cited by the submitters: PubMed 28272408 (cited by Quest Diagnostics Nichols Institute San Juan Capistrano); PubMed 36922933 (cited by Quest Diagnostics Nichols Institute San Juan Capistrano).